The following is an entry in ClinVar:

NM_001001344.3(ATP2B3):c.2625+3_2625+6del

Gene: ATP2B3 (ATPase plasma membrane Ca2+ transporting 3; plus strand). Cytogenetic location: Xq28.
Variant type: Deletion.
Coding change: c.2625+3_2625+6del on transcript NM_001001344.3 (MANE Select); bases 3 to 6 of the intron after coding-DNA position 2625, 4 bases deleted (GGGT; older notation c.2625+3_2625+6delGGGT).
Molecular consequence: splice donor variant.
Genome position (GRCh38, 1-based): chrX:153,558,306-153,558,309, GGGT deleted; deleting any 4 consecutive bases within chrX:153,558,303-153,558,309 gives the same sequence; the c. name uses the placement nearest the transcript's 3' end. VCF-style (leftmost placement, unchanged base first): chrX-153558302-AGGTG-A. GRCh37 (hg19) VCF-style: chrX-152823760-AGGTG-A.
Other names: c.2625+3_2625+6del (NM_021949.4, NM_001388360.1, NM_001388361.1 and 1 more transcripts); c.2583+3_2583+6del (NM_001410708.1).
Identifiers: ClinVar variation 1676573 (VCV001676573.3), dbSNP rs2124485656, ClinGen allele CA2573159329.

ClinVar aggregate classification (germline): Uncertain significance (1 of 4 stars; one submission).

Submission:

Greenwood Genetic Center Diagnostic Laboratories, Greenwood Genetic Center
Classification: Uncertain significance. Last evaluated: 2022-02-07. Review status: criteria provided, single submitter. Criteria: ACMG Guidelines, 2015. Collection method: clinical testing. Allele origin: germline. Affected: yes.
Comment: PM2